The following is an entry in ClinVar:

ClinVar aggregate classification (germline): Uncertain significance. Review status: criteria provided, multiple submitters, no conflicts (2 of 4 stars). 8 submissions from 8 submitters: Uncertain significance (8). Last evaluated 2024-07-24.

Conditions:
Fanconi anemia (FA). Also called: Fanconi's anemia. Identifiers: Orphanet 84, MedGen C0015625, MeSH D005199, MONDO:0019391.
Fanconi anemia complementation group P. Also called: SLX4-Related Fanconi Anemia. Identifiers: Orphanet 84, MedGen C3469542, MONDO:0013499, OMIM 613951.

Allele frequency attached by ClinVar (database versions not stated): gnomAD 0.00005 and 0.00006; TOPMed 0.00005; ExAC 0.00013; gnomAD exomes 0.00014 and 0.00018; ESP Exome Variant Server 0.00031.
gnomAD v4.1: 282 of 1,613,458 alleles (0.017%); highest among the groups gnomAD compares: Middle Eastern, 0.15%; 1 homozygote.

Submissions (8):

Blueprint Genetics
Classification: Uncertain significance. Last evaluated: 2024-07-24. Review status: criteria provided, single submitter. Criteria: ACMG Guidelines, 2015. Collection method: clinical testing. Allele origin: germline.

Labcorp Genetics (formerly Invitae), Labcorp
Classification: Uncertain significance for Fanconi anemia. Last evaluated: 2024-01-18. Review status: criteria provided, single submitter. Criteria: Invitae Variant Classification Sherloc (09022015). Collection method: clinical testing. Allele origin: germline.
Comment: This sequence change replaces glycine, which is neutral and non-polar, with alanine, which is neutral and non-polar, at codon 1349 of the SLX4 protein (p.Gly1349Ala). This variant is present in population databases (rs151144102, gnomAD 0.04%). This missense change has been observed in individual(s) with acute myeloid leukemia with myelodysplasia-related changes (PMID: 29146900). ClinVar contains an entry for this variant (Variation ID: 235267). An algorithm developed to predict the effect of missense changes on protein structure and function (PolyPhen-2) suggests that this variant¬†is likely to be tolerated. In summary, the available evidence is currently insufficient to determine the role of this variant in disease. Therefore, it has been classified as a Variant of Uncertain Significance.

Fulgent Genetics
Classification: Uncertain significance for Fanconi anemia complementation group P. Last evaluated: 2023-12-28. Review status: criteria provided, single submitter. Criteria: ACMG Guidelines, 2015. Collection method: clinical testing. Allele origin: germline.

Institute for Clinical Genetics, University Hospital TU Dresden, University Hospital TU Dresden
Classification: Uncertain significance. Last evaluated: 2021-11-03. Review status: criteria provided, single submitter. Criteria: ACMG Guidelines, 2015. Collection method: clinical testing. Allele origin: germline.

Sema4
Classification: Uncertain significance for Fanconi anemia. Last evaluated: 2021-10-08. Review status: criteria provided, single submitter. Criteria: Sema4 Curation Guidelines. Collection method: curation. Allele origin: germline.
Comment: The SLX4 c.4046G>C (p.G1349A) variant has been reported in heterozygosity in at least three individuals with ovarian cancer or myelodysplastic syndrome (PMID: 32546565, 29146900). This variant was observed in 10/30614 chromosomes in the South Asian population, with no homozygotes, according to the Genome Aggregation Database (PMID: 32461654), and has been reported in ClinVar (Variation ID: 235267). In silico tools suggest the impact of the variant on protein function is benign, though these predictions have not been confirmed by functional studies. The overall evidence is inconsistent with ACMG/AMP requirements for a classification of benign or pathogenic. In summary, the clinical significance of this variant is currently uncertain.

Genetic Services Laboratory, University of Chicago
Classification: Uncertain significance. Last evaluated: 2020-10-26. Review status: criteria provided, single submitter. Criteria: ACMG Guidelines, 2015. Collection method: clinical testing. Allele origin: germline. Affected: no.
Comment: DNA sequence analysis of the SLX4 gene demonstrated a sequence change, c.4046G>C, in exon 12 which results in an amino acid change, p.Gly1349Ala. This sequence change does not appear to have been previously described in patients with SLX4-related disorders and has been described in the gnomAD database with a frequency of 0.033% in the South Asian sub-population (dbSNP rs151144102). The p.Gly1349Ala change affects a poorly conserved amino acid residue located in a domain of the SLX4 protein that is not known to be functional. The p.Gly1349Ala substitution appears to be benign using several in-silico pathogenicity prediction tools (SIFT, PolyPhen2, Align GVGD, REVEL). Due to contrasting evidences and the lack of functional studies, the clinical significance of this sequence changes remains unknown at this time.

GeneDx
Classification: Uncertain significance. Last evaluated: 2020-01-27. Review status: criteria provided, single submitter. Criteria: GeneDx Variant Classification Process June 2021. Collection method: clinical testing. Allele origin: germline. Affected: yes.
Comment: In silico analysis, which includes protein predictors and evolutionary conservation, supports that this variant does not alter protein structure/function; Has not been previously published as pathogenic or benign to our knowledge

Center for Pediatric Genomic Medicine, Children's Mercy Hospital and Clinics
Classification: Uncertain significance. Last evaluated: 2015-12-21. Review status: criteria provided, single submitter. Criteria: ACMG Guidelines, 2015. Collection method: clinical testing. Allele origin: germline.
ClinVar note: Converted during submission from Uncertain Significance to Uncertain significance.

Literature cited by the submitters: PubMed 29146900 (cited by Labcorp Genetics (formerly Invitae), Labcorp and Sema4); PubMed 32546565 (cited by Sema4).

NM_032444.4(SLX4):c.4046G>C (p.Gly1349Ala)

Gene: SLX4 (SLX4 structure-specific endonuclease subunit; minus strand). Cytogenetic location: 16p13.3.
Variant type: single nucleotide variant.
Coding change: c.4046G>C on transcript NM_032444.4 (MANE Select); coding-DNA position 4046, G replaced by C.
Protein change: p.Gly1349Ala; replaces glycine 1349 with alanine.
Molecular consequence: missense variant.
Genome position (GRCh38, 1-based): chr16:3,589,592, C>G on the plus strand (G>C on the coding strand, the complement: SLX4 is on the minus strand). VCF-style: chr16-3589592-C-G. GRCh37 (hg19) VCF-style: chr16-3639593-C-G.
Other names: c.4046G>C (LRG_503t1); short protein forms G1349A.
Identifiers: ClinVar variation 235267 (VCV000235267.20), dbSNP rs151144102, ClinGen allele CA7865750.